The following is an entry in ClinVar:

ClinVar aggregate classification (germline): Uncertain significance (1 of 4 stars; one submission).

Conditions:
Familial meningioma. Also called: Meningioma, familial, susceptibility to. Identifiers: Orphanet 263662, MedGen C3551915, MONDO:0011789, OMIM 607174.

gnomAD v4.1: 129 of 1,613,544 alleles (0.008%); highest among the groups gnomAD compares: African/African-American, 0.0053%; no homozygotes.

Submission:

Dr. Guy Rouleau's laboratory, McGill University
Classification: Uncertain significance for Familial meningioma. Last evaluated: 2025-03-22. Review status: criteria provided, single submitter. Criteria: ACMG Guidelines, 2015. Collection method: research. Allele origin: germline. Affected: yes.
Comment: This missense variant located at the position 3849, is change from an Arginine (R), basic amino acid to Glutamine (Q) neutral and polar amino acid in FAT3 gene. This variant has been reported in population database (gnomAD v2.1.1 allele frequency =0.0001325, exome coverage 47X). Based on the available evidence, the clinical significance of this variant is unknown.

NM_001367949.2(FAT3):c.11546G>A (p.Arg3849Gln)

Gene: FAT3 (FAT atypical cadherin 3; plus strand). Cytogenetic location: 11q14.3.
Variant type: single nucleotide variant.
Coding change: c.11546G>A on transcript NM_001367949.2 (MANE Select); coding-DNA position 11546, G replaced by A.
Protein change: p.Arg3849Gln; replaces arginine 3849 with glutamine.
Molecular consequence: missense variant.
Genome position (GRCh38, 1-based): chr11:92,859,210, G>A. VCF-style: chr11-92859210-G-A. GRCh37 (hg19) VCF-style: chr11-92592376-G-A.
Other names: c.11546G>A, p.Arg3849Gln (NM_001008781.3); short protein forms R3849Q.
Identifiers: ClinVar variation 3774545 (VCV003774545.1).